The following is an entry in ClinVar:

NM_000051.4(ATM):c.8848G>A (p.Glu2950Lys)

Genes: C11orf65 (chromosome 11 open reading frame 65; minus strand), ATM (ATM serine/threonine kinase; plus strand). Cytogenetic location: 11q22.3.
Variant type: single nucleotide variant.
Coding change: c.8848G>A on transcript NM_000051.4 (MANE Select); coding-DNA position 8848, G replaced by A.
Protein change: p.Glu2950Lys; replaces glutamic acid 2950 with lysine.
Molecular consequence: missense variant. On other transcripts: intron variant (2).
Genome position (GRCh38, 1-based): chr11:108,354,872, G>A. VCF-style: chr11-108354872-G-A. GRCh37 (hg19) VCF-style: chr11-108225599-G-A.
Other names: c.8848G>A, p.Glu2950Lys (NM_001351834.2); c.640+31048C>T (NM_001330368.2); c.695-19580C>T (NM_001351110.2); short protein forms E2950K.
Identifiers: ClinVar variation 407619 (VCV000407619.15), dbSNP rs898091069, ClinGen allele CA16613459.

ClinVar aggregate classification (germline): Uncertain significance. Review status: criteria provided, multiple submitters, no conflicts (2 of 4 stars). 4 submissions from 4 submitters: Uncertain significance (4). Last evaluated 2025-10-03.

Conditions:
Hereditary cancer-predisposing syndrome. Also called: Neoplastic Syndromes, Hereditary; Hereditary Cancer Syndrome; Tumor predisposition; Hereditary neoplastic syndrome. Identifiers: Orphanet 140162, MedGen C0027672, MeSH D009386, MONDO:0015356.
Ataxia-telangiectasia syndrome (AT). Also called: LOUIS-BAR SYNDROME; Cerebello-oculocutaneous telangiectasia; Immunodeficiency with ataxia telangiectasia; Ataxia-telangiectasia, complementation group D; AT, COMPLEMENTATION GROUP C; Ataxia-telangiectasia, complementation group E. Identifiers: Orphanet 100, MedGen C0004135, MONDO:0008840, OMIM 208900.

Allele frequency attached by ClinVar (database versions not stated): gnomAD exomes below 0.00001; TOPMed below 0.00001; gnomAD 0.00001.
gnomAD v4.1: 2 of 1,611,596 alleles (0.00012%); highest among the groups gnomAD compares: Admixed American, 0.0017%; no homozygotes.

Submissions (4):

Ambry Genetics
Classification: Uncertain significance for Hereditary cancer-predisposing syndrome. Last evaluated: 2025-10-03. Review status: criteria provided, single submitter. Criteria: Ambry Variant Classification Scheme 2023. Collection method: clinical testing. Allele origin: germline.
Comment: The p.E2950K variant (also known as c.8848G>A), located in coding exon 60 of the ATM gene, results from a G to A substitution at nucleotide position 8848. The glutamic acid at codon 2950 is replaced by lysine, an amino acid with similar properties. In an assay testing ATM function, this variant showed a functionally normal result (Lee KS et al. Cell, 2025 Sep;188:5081-5099.e27). This amino acid position is highly conserved in available vertebrate species. In addition, this alteration is predicted to be deleterious by in silico analysis. Based on the available evidence, the clinical significance of this variant remains unclear.

Labcorp Genetics (formerly Invitae), Labcorp
Classification: Uncertain significance for Ataxia-telangiectasia syndrome. Last evaluated: 2024-12-18. Review status: criteria provided, single submitter. Criteria: Invitae Variant Classification Sherloc (09022015). Collection method: clinical testing. Allele origin: germline.
Comment: This sequence change replaces glutamic acid, which is acidic and polar, with lysine, which is basic and polar, at codon 2950 of the ATM protein (p.Glu2950Lys). This variant is not present in population databases (gnomAD no frequency). This variant has not been reported in the literature in individuals affected with ATM-related conditions. ClinVar contains an entry for this variant (Variation ID: 407619). An algorithm developed to predict the effect of missense changes on protein structure and function (PolyPhen-2) suggests that this variant is likely to be disruptive. In summary, the available evidence is currently insufficient to determine the role of this variant in disease. Therefore, it has been classified as a Variant of Uncertain Significance.

Women's Health and Genetics/Laboratory Corporation of America, LabCorp
Classification: Uncertain significance. Last evaluated: 2023-12-28. Review status: criteria provided, single submitter. Criteria: LabCorp Variant Classification Summary - May 2015. Collection method: clinical testing. Allele origin: germline.
Comment: Variant summary: ATM c.8848G>A (p.Glu2950Lys) results in a conservative amino acid change located in the catalytic domain (IPR044107) of the encoded protein sequence. Four of five in-silico tools predict a damaging effect of the variant on protein function. In addition, the variant is located close to a splice-site, therefore could affect splicing: consensus agreement among computation tools predict no significant impact on normal splicing. However, these predictions have yet to be confirmed by functional studies. The variant allele was found at a frequency of 2.6e-06 in 775510 control chromosomes (gnomAD v4). The available data on variant occurrences in the general population are insufficient to allow any conclusion about variant significance. To our knowledge, no occurrence of c.8848G>A in individuals affected with Prostate Cancer and no experimental evidence demonstrating its impact on protein function have been reported. Three submitters have cited clinical-significance assessments for this variant to ClinVar after 2014. All submitters classified the variant as uncertain significance. Based on the evidence outlined above, the variant was classified as uncertain significance.

Color Diagnostics, LLC DBA Color Health
Classification: Uncertain significance for Hereditary cancer-predisposing syndrome. Last evaluated: 2019-01-04. Review status: criteria provided, single submitter. Criteria: ACMG Guidelines, 2015. Collection method: clinical testing. Allele origin: germline.

Literature cited by the submitters: PubMed 40580951 (cited by Ambry Genetics).